The following is an entry in ClinVar:

ClinVar aggregate classification (germline): Uncertain significance (1 of 4 stars; one submission).

gnomAD v4.1: 2 of 1,211,675 alleles (0.00017%); highest among the groups gnomAD compares: East Asian, 0.0059%; no homozygotes.

Submission:

GeneDx
Classification: Uncertain significance. Last evaluated: 2026-03-02. Review status: criteria provided, single submitter. Criteria: GeneDx Variant Classification Process June 2021. Collection method: clinical testing. Allele origin: germline.
Comment: Not observed at significant frequency in large population cohorts (gnomAD); In silico analysis suggests that this missense variant does not alter protein structure/function; Has not been previously published as pathogenic or benign to our knowledge

NM_004187.5(KDM5C):c.985A>G (p.Met329Val)

Gene: KDM5C (lysine demethylase 5C; minus strand). Cytogenetic location: Xp11.22.
Variant type: single nucleotide variant.
Coding change: c.985A>G on transcript NM_004187.5 (MANE Select); coding-DNA position 985, A replaced by G.
Protein change: p.Met329Val; replaces methionine 329 with valine.
Molecular consequence: missense variant. On other transcripts: non-coding transcript variant (3).
Genome position (GRCh38, 1-based): chrX:53,214,826, T>C on the plus strand (A>G on the coding strand, the complement: KDM5C is on the minus strand). VCF-style: chrX-53214826-T-C. GRCh37 (hg19) VCF-style: chrX-53244008-T-C.
Other names: c.982A>G, p.Met328Val (NM_001353979.2, NM_001353982.2, NM_001282622.3); c.985A>G, p.Met329Val (NM_001353981.2, NM_001353984.2, NM_001353978.3); c.784A>G, p.Met262Val (NM_001146702.2); short protein forms M262V, M328V, M329V.
Identifiers: ClinVar variation 3906290 (VCV003906290.2).